The following is an entry in ClinVar:

ClinVar aggregate classification (germline): Uncertain significance (1 of 4 stars; one submission).

Conditions:
Familial thoracic aortic aneurysm and aortic dissection (TAAD). Also called: Thoracic aortic aneurysms and dissections. Identifiers: Orphanet 91387, MedGen C4707243, MONDO:0019625.

gnomAD v4.1: 2 of 1,614,186 alleles (0.00012%); highest among the groups gnomAD compares: Admixed American, 0.0017%; no homozygotes.

Submission:

Ambry Genetics
Classification: Uncertain significance for Familial thoracic aortic aneurysm and aortic dissection. Last evaluated: 2026-05-24. Review status: criteria provided, single submitter. Criteria: Ambry Variant Classification Scheme 2023. Collection method: clinical testing. Allele origin: germline.
Comment: The p.G1126D variant (also known as c.3377G>A), located in coding exon 27 of the FBN1 gene, results from a G to A substitution at nucleotide position 3377. The glycine at codon 1126 is replaced by aspartic acid, an amino acid with similar properties. This amino acid position is conserved. In addition, this alteration is predicted to be deleterious by in silico analysis. Based on the available evidence, the clinical significance of this variant remains unclear.

NM_000138.5(FBN1):c.3377G>A (p.Gly1126Asp)

Gene: FBN1 (fibrillin 1; minus strand). Cytogenetic location: 15q21.1.
Variant type: single nucleotide variant.
Coding change: c.3377G>A on transcript NM_000138.5 (MANE Select); coding-DNA position 3377, G replaced by A.
Protein change: p.Gly1126Asp; replaces glycine 1126 with aspartic acid.
Molecular consequence: missense variant.
Genome position (GRCh38, 1-based): chr15:48,487,398, C>T on the plus strand (G>A on the coding strand, the complement: FBN1 is on the minus strand). VCF-style: chr15-48487398-C-T. GRCh37 (hg19) VCF-style: chr15-48779595-C-T.
Other names: c.3377G>A, p.Gly1126Asp (NM_001406716.1); short protein forms G1126D.
Identifiers: ClinVar variation 4829929 (VCV004829929.2).